The following is an entry in ClinVar:

ClinVar aggregate classification (germline): Uncertain significance (1 of 4 stars; one submission).

Conditions:
Atrioventricular septal defect 4 (AVSD4). Identifiers: MedGen C3280781, MONDO:0013747, OMIM 614430.

Allele frequency attached by ClinVar (database versions not stated): gnomAD 0.00001; gnomAD exomes 0.00001; TOPMed 0.00001.
gnomAD v4.1: 9 of 1,476,372 alleles (0.00061%); highest among the groups gnomAD compares: East Asian, 0.0028%; no homozygotes.

Submission:

Labcorp Genetics (formerly Invitae), Labcorp
Classification: Uncertain significance for Atrioventricular septal defect 4. Last evaluated: 2025-01-29. Review status: criteria provided, single submitter. Criteria: Invitae Variant Classification Sherloc (09022015). Collection method: clinical testing. Allele origin: germline.
Comment: This sequence change replaces glycine, which is neutral and non-polar, with serine, which is neutral and polar, at codon 65 of the GATA4 protein (p.Gly65Ser). This variant is not present in population databases (gnomAD no frequency). This variant has not been reported in the literature in individuals affected with GATA4-related conditions. ClinVar contains an entry for this variant (Variation ID: 1360762). Invitae Evidence Modeling of protein sequence and biophysical properties (such as structural, functional, and spatial information, amino acid conservation, physicochemical variation, residue mobility, and thermodynamic stability) indicates that this missense variant is not expected to disrupt GATA4 protein function with a negative predictive value of 95%. In summary, the available evidence is currently insufficient to determine the role of this variant in disease. Therefore, it has been classified as a Variant of Uncertain Significance.

NM_001308093.3(GATA4):c.193G>A (p.Gly65Ser)

Gene: GATA4 (GATA binding protein 4). Cytogenetic location: 8p23.1.
Variant type: single nucleotide variant.
Coding change: c.193G>A on transcript NM_001308093.3 (MANE Select); coding-DNA position 193, G replaced by A.
Protein change: p.Gly65Ser; replaces glycine 65 with serine.
Molecular consequence: missense variant. On other transcripts: intron variant (3).
Genome position (GRCh38, 1-based): chr8:11,708,505, G>A. VCF-style: chr8-11708505-G-A. GRCh37 (hg19) VCF-style: chr8-11566014-G-A.
Other names: c.193G>A, p.Gly65Ser (NM_002052.5); c.-6+7727G>A (NM_001308094.2); c.-3+491G>A (NM_001374274.1); c.-3+4201G>A (NM_001374273.1); short protein forms G65S.
Identifiers: ClinVar variation 1360762 (VCV001360762.6), dbSNP rs1399618529, ClinGen allele CA370309124.
Genomic context (GRCh38, chr8:11,708,505, plus strand): 5'-CCCTCCTCCGTGCTGGGCCTGTCCTACCTCCAGGGCGGAGGCGCGGGCTCTGCGTCCGGA[G>A]GCGCCTCGGGCGGCAGCTCCGGTGGGGCCGCGTCTGGTGCGGGGCCCGGGACCCAGCAGG-3'
Protein context (NP_001295022.1, residues 55-75): QGGGAGSASG[Gly65Ser]ASGGSSGGAA